The following is an entry in ClinVar:

NM_003982.4(SLC7A7):c.770+1del

Gene: SLC7A7 (solute carrier family 7 member 7; minus strand). Cytogenetic location: 14q11.2.
Variant type: Deletion.
Coding change: c.770+1del on transcript NM_003982.4 (MANE Select); the canonical splice donor site of the intron after coding-DNA position 770, one base deleted (G; older notation c.770+1delG).
Molecular consequence: splice donor variant.
Genome position (GRCh38, 1-based): chr14:22,778,792, C deleted on the plus strand (G on the coding strand, the reverse complement: SLC7A7 is on the minus strand); the first of 2 consecutive C bases (chr14:22,778,792-22,778,793); deleting either gives the same sequence. VCF-style (leftmost placement, unchanged base first): chr14-22778791-AC-A. GRCh37 (hg19) VCF-style: chr14-23248000-AC-A.
Other names: c.770+1delG (NM_003982.4); c.770+1del (NM_001126106.4, NM_001126105.3).
Identifiers: ClinVar variation 1451547 (VCV001451547.10), dbSNP rs2139394672, ClinGen allele CA2573149744.
Genomic context (GRCh38, chr14:22,778,791, plus strand): 5'-TAGTAGGAGCTCATTAAATGATGGCTATCACTGCTATGGAAAGTTGGTGGTGCAGTACCT[AC>A]CTCTCAGGATTCTTGATCTCTTCAGTGACATAGTTGAGGGTGTCCCAGCCTGAGTAGGAG-3'

ClinVar aggregate classification (germline): Pathogenic/Likely pathogenic. Review status: criteria provided, multiple submitters, no conflicts (2 of 4 stars). 3 submissions from 3 submitters: Pathogenic (1); Likely pathogenic (2). Last evaluated 2025-04-04.

Conditions:
Lysinuric protein intolerance (LPI). Identifiers: Orphanet 470, MedGen C0268647, MONDO:0009109, OMIM 222700.

Submissions (3):

Variantyx, Inc.
Classification: Likely pathogenic for Lysinuric protein intolerance. Last evaluated: 2025-04-04. Review status: criteria provided, single submitter. Criteria: Variantyx Assertion Criteria 2022. Collection method: clinical testing. Allele origin: germline. Inheritance: Autosomal recessive inheritance. Affected: yes.
Comment: This is a canonical splicing variant in the SLC7A7 gene (OMIM: 603593). Pathogenic variants in this gene have been associated with autosomal recessive lysinuric protein intolerance. The clinical symptoms reported for this individual are highly specific for autosomal recessive lysinuric protein intolerance, which has a limited genetic etiology (PP4). It has a 0.0002% maximum allele frequency in non-founder control populations (PM2). Based on the current evidence, this variant is classified as likely pathogenic for autosomal recessive lysinuric protein intolerance.

Labcorp Genetics (formerly Invitae), Labcorp
Classification: Pathogenic for Lysinuric protein intolerance. Last evaluated: 2024-04-01. Review status: criteria provided, single submitter. Criteria: Invitae Variant Classification Sherloc (09022015). Collection method: clinical testing. Allele origin: germline.
Comment: This sequence change creates a premature translational stop signal (p.Asn258Thrfs*19) in the SLC7A7 gene. It is expected to result in an absent or disrupted protein product. Loss-of-function variants in SLC7A7 are known to be pathogenic (PMID: 10631139, 17764084). This variant is not present in population databases (gnomAD no frequency). This variant has not been reported in the literature in individuals affected with SLC7A7-related conditions. This variant is also known as c.770+1del. ClinVar contains an entry for this variant (Variation ID: 1451547). Algorithms developed to predict the effect of sequence changes on RNA splicing suggest that this variant may disrupt the consensus splice site. For these reasons, this variant has been classified as Pathogenic.

Fulgent Genetics
Classification: Likely pathogenic for Lysinuric protein intolerance. Last evaluated: 2022-02-18. Review status: criteria provided, single submitter. Criteria: ACMG Guidelines, 2015. Collection method: clinical testing. Allele origin: unknown.

Literature cited by the submitters: PubMed 10631139 (cited by Labcorp Genetics (formerly Invitae), Labcorp); PubMed 17764084 (cited by Labcorp Genetics (formerly Invitae), Labcorp).